The following is an entry in ClinVar:

NM_001267052.2(UNC45B):c.2165T>G (p.Val722Gly)

Gene: UNC45B (unc-45 myosin chaperone B; plus strand). Cytogenetic location: 17q12.
Variant type: single nucleotide variant.
Coding change: c.2165T>G on transcript NM_001267052.2 (MANE Select); coding-DNA position 2165, T replaced by G.
Protein change: p.Val722Gly; replaces valine 722 with glycine.
Molecular consequence: missense variant.
Genome position (GRCh38, 1-based): chr17:35,177,520, T>G. VCF-style: chr17-35177520-T-G. GRCh37 (hg19) VCF-style: chr17-33504539-T-G.
Other names: c.2165T>G, p.Val722Gly (NM_001033576.2); c.1928T>G, p.Val643Gly (NM_001308281.1); c.2171T>G, p.Val724Gly (NM_173167.3); short protein forms V643G, V722G, V724G.
Identifiers: ClinVar variation 4278787 (VCV004278787.1).

ClinVar aggregate classification (germline): Uncertain significance (1 of 4 stars; one submission).

gnomAD v4.1: 2 of 1,566,058 alleles (0.00013%); highest among the groups gnomAD compares: South Asian, 0.0024%; no homozygotes.

Submission:

GeneDx
Classification: Uncertain significance. Last evaluated: 2025-04-03. Review status: criteria provided, single submitter. Criteria: GeneDx Variant Classification Process June 2021. Collection method: clinical testing. Allele origin: germline. Affected: yes.
Comment: Not observed at significant frequency in large population cohorts (gnomAD); In silico analysis supports that this missense variant has a deleterious effect on protein structure/function; Has not been previously published as pathogenic or benign to our knowledge